The following is an entry in ClinVar:

NM_001376013.1(EPB41):c.356_367del (p.Gly119_Leu122del)

Gene: EPB41 (erythrocyte membrane protein band 4.1; plus strand). Cytogenetic location: 1p35.3.
Variant type: Deletion.
Coding change: c.356_367del on transcript NM_001376013.1 (MANE Select); coding-DNA positions 356 to 367, 12 bases deleted (GAACCAGTCTTG).
Protein change: p.Gly119_Leu122del.
Molecular consequence: inframe deletion. On other transcripts: 5 prime UTR variant (10).
Genome position (GRCh38, 1-based): chr1:28,987,793-28,987,804, GAACCAGTCTTG deleted; deleting any 12 consecutive bases within chr1:28,987,790-28,987,804 gives the same sequence; the c. name uses the placement nearest the transcript's 3' end. VCF-style (leftmost placement, unchanged base first): chr1-28987789-TTTGGAACCAGTC-T. GRCh37 (hg19) VCF-style: chr1-29314301-TTTGGAACCAGTC-T.
Other names: c.356_367del, p.Gly119_Leu122del (NM_001166005.2, NM_001166006.2, NM_001376014.1 and 8 more transcripts); c.-272_-261del (NM_001166007.2, NM_001376022.1, NM_001376023.1 and 5 more transcripts); c.-352_-341del (NM_004437.4, NM_203342.3).
Identifiers: ClinVar variation 4697216 (VCV004697216.1).

ClinVar aggregate classification (germline): Uncertain significance (1 of 4 stars; one submission).

Submission:

Labcorp Genetics (formerly Invitae), Labcorp
Classification: Uncertain significance. Last evaluated: 2025-10-10. Review status: criteria provided, single submitter. Criteria: Invitae Variant Classification Sherloc (09022015). Collection method: clinical testing. Allele origin: germline.
Comment: This variant occurs in a non-coding region of the EPB41 gene. It does not change the encoded amino acid sequence of the EPB41 protein. This variant is not present in population databases (gnomAD no frequency). This variant has not been reported in the literature in individuals affected with EPB41-related conditions. Experimental studies and prediction algorithms are not available or were not evaluated, and the functional significance of this variant is currently unknown. In summary, the available evidence is currently insufficient to determine the role of this variant in disease. Therefore, it has been classified as a Variant of Uncertain Significance.